The following is an entry in ClinVar:

ClinVar aggregate classification (germline): Uncertain significance (1 of 4 stars; one submission).

Allele frequency attached by ClinVar (database versions not stated): gnomAD 0.00001; TOPMed 0.00002.
gnomAD v4.1: 7 of 1,614,126 alleles (0.00043%); highest among the groups gnomAD compares: African/African-American, 0.0093%; no homozygotes.

Submission:

Ambry Genetics
Classification: Uncertain significance. Last evaluated: 2023-04-25. Review status: criteria provided, single submitter. Criteria: Ambry Variant Classification Scheme 2023. Collection method: clinical testing. Allele origin: germline.
Comment: The p.M859I variant (also known as c.2577G>C), located in coding exon 16 of the POLQ gene, results from a G to C substitution at nucleotide position 2577. The methionine at codon 859 is replaced by isoleucine, an amino acid with highly similar properties. This amino acid position is conserved. In addition, this alteration is predicted to be tolerated by in silico analysis. Since supporting evidence is limited at this time, the clinical significance of this alteration remains unclear.

NM_199420.4(POLQ):c.2577G>C (p.Met859Ile)

Gene: POLQ (DNA polymerase theta; minus strand). Cytogenetic location: 3q13.33.
Variant type: single nucleotide variant.
Coding change: c.2577G>C on transcript NM_199420.4 (MANE Select); coding-DNA position 2577, G replaced by C.
Protein change: p.Met859Ile; replaces methionine 859 with isoleucine.
Molecular consequence: missense variant.
Genome position (GRCh38, 1-based): chr3:121,490,354, C>G on the plus strand (G>C on the coding strand, the complement: POLQ is on the minus strand). VCF-style: chr3-121490354-C-G. GRCh37 (hg19) VCF-style: chr3-121209201-C-G.
Other names: short protein forms M859I.
Identifiers: ClinVar variation 2560539 (VCV002560539.2), dbSNP rs1189175443, ClinGen allele CA354105817.